The following is an entry in ClinVar:

NM_000238.4(KCNH2):c.812G>A (p.Arg271His)

Gene: KCNH2 (potassium voltage-gated channel subfamily H member 2; minus strand). Cytogenetic location: 7q36.1.
Variant type: single nucleotide variant.
Coding change: c.812G>A on transcript NM_000238.4 (MANE Select); coding-DNA position 812, G replaced by A.
Protein change: p.Arg271His; replaces arginine 271 with histidine.
Molecular consequence: missense variant.
Genome position (GRCh38, 1-based): chr7:150,958,163, C>T on the plus strand (G>A on the coding strand, the complement: KCNH2 is on the minus strand). VCF-style: chr7-150958163-C-T. GRCh37 (hg19) VCF-style: chr7-150655251-C-T.
Other names: p.R271H:CGC>CAC; c.524G>A, p.Arg175His (NM_001406753.1, NM_001406756.1); c.635G>A, p.Arg212His (NM_001406755.1); c.512G>A, p.Arg171His (NM_001406757.1); c.812G>A, p.Arg271His (NM_172056.3); short protein forms R271H, R175H, R171H, R212H.
Identifiers: ClinVar variation 200304 (VCV000200304.10), dbSNP rs794728361, ClinGen allele CA008845.

ClinVar aggregate classification (germline): Uncertain significance. Review status: criteria provided, multiple submitters, no conflicts (2 of 4 stars). 2 submissions from 2 submitters: Uncertain significance (2). Last evaluated 2026-01-26.

Conditions:
Long QT syndrome (LQTS). Identifiers: MedGen C0023976, MeSH D008133, MONDO:0002442. Disease mechanism: loss of function. Inheritance: Various modes of inheritance.

Allele frequency attached by ClinVar (database versions not stated): gnomAD exomes below 0.00001; TOPMed 0.00002.
gnomAD v4.1: 3 of 1,334,982 alleles (0.00022%); highest among the groups gnomAD compares: Admixed American, 0.0036%; no homozygotes.

Submissions (2):

Labcorp Genetics (formerly Invitae), Labcorp
Classification: Uncertain significance for Long QT syndrome. Last evaluated: 2026-01-26. Review status: criteria provided, single submitter. Criteria: Invitae Variant Classification Sherloc (09022015). Collection method: clinical testing. Allele origin: germline.
Comment: This sequence change replaces arginine, which is basic and polar, with histidine, which is basic and polar, at codon 271 of the KCNH2 protein (p.Arg271His). This variant is not present in population databases (gnomAD no frequency). This variant has not been reported in the literature in individuals affected with KCNH2-related conditions. ClinVar contains an entry for this variant (Variation ID: 200304). An algorithm developed to predict the effect of missense changes on protein structure and function (PolyPhen-2) suggests that this variant is likely to be disruptive. In summary, the available evidence is currently insufficient to determine the role of this variant in disease. Therefore, it has been classified as a Variant of Uncertain Significance.

GeneDx
Classification: Uncertain significance. Last evaluated: 2014-07-07. Review status: criteria provided, single submitter. Criteria: GeneDx Variant Classification (06012015). Collection method: clinical testing. Allele origin: germline. Affected: yes.
Comment: p.Arg271His (CGC>CAC): c.812 G>A in exon 4 of the KCNH2 gene (NM_000238.2). A variant of unknown significance has been identified in the KCNH2 gene. The R271H variant has not been published as a mutation or as a benign polymorphism to our knowledge. The R271H variant is a conservative amino acid substitution, which is not likely to impact secondary protein structure as these residues share similar properties. Furthermore, in silico analysis predicts this variant likely does not alter the protein structure/function. Nevertheless, this substitution occurs at a position that is completely conserved across species. Moreover, missense mutations in nearby residues (R269W, R273Q) have been reported in association with LQTS and SIDS, supporting the functional importance of this region of the protein.Therefore, based on the currently available information, it is unclear whether this variant is a pathogenic mutation or a rare benign variant. The variant is found in LQT panel(s).